The following is an entry in ClinVar:

ClinVar aggregate classification (germline): Uncertain significance. Review status: criteria provided, multiple submitters, no conflicts (2 of 4 stars). 2 submissions from 2 submitters: Uncertain significance (2). Last evaluated 2025-09-04.

Conditions:
Intellectual developmental disorder 61. Also called: INTELLECTUAL DEVELOPMENTAL DISORDER, AUTOSOMAL DOMINANT 61; MENTAL RETARDATION, AUTOSOMAL DOMINANT 61. Identifiers: MedGen C5231400, MONDO:0032485, OMIM 618009.
Inborn genetic diseases. Identifiers: MedGen C0950123, MeSH D030342.

gnomAD v4.1: 22 of 1,613,736 alleles (0.0014%); highest among the groups gnomAD compares: Middle Eastern, 0.016%; no homozygotes.

Submissions (2):

Ambry Genetics
Classification: Uncertain significance for Inborn genetic diseases. Last evaluated: 2025-09-04. Review status: criteria provided, single submitter. Criteria: Ambry Variant Classification Scheme 2023. Collection method: clinical testing. Allele origin: germline.

Neuberg Centre For Genomic Medicine, NCGM
Classification: Uncertain significance for Intellectual developmental disorder 61. Last evaluated: 2023-05-20. Review status: criteria provided, single submitter. Criteria: ACMG Guidelines, 2015. Collection method: clinical testing. Allele origin: germline. Inheritance: Autosomal dominant inheritance. Affected: yes.
Comment: The missense variant c.6472A>G(p.Ile2158Val) in the MED13 gene has not been reported previously as a pathogenic variant nor as a benign variant, to our knowledge. This variant is reported with the allele frequency (0.001%) in the gnomAD Exomes and absent in 1000 Genomes. The amino acid Isoleucine at position 2158 is changed to a Valine changing protein sequence and it might alter its composition and physico-chemical properties. Computational evidence (Polyphen, SIFT and MutationTaster) predicts conflicting evidence on protein structure and function for this variant. The amino acid change p.Ile2158Val in MED13 is predicted as conserved by GERP++ and PhyloP across 100 vertebrates. For these reasons, this variant has been classified as Uncertain Significance

NM_005121.3(MED13):c.6472A>G (p.Ile2158Val)

Gene: MED13 (mediator complex subunit 13; minus strand). Cytogenetic location: 17q23.2.
Variant type: single nucleotide variant.
Coding change: c.6472A>G on transcript NM_005121.3 (MANE Select); coding-DNA position 6472, A replaced by G.
Protein change: p.Ile2158Val; replaces isoleucine 2158 with valine.
Molecular consequence: missense variant.
Genome position (GRCh38, 1-based): chr17:61,946,521, T>C on the plus strand (A>G on the coding strand, the complement: MED13 is on the minus strand). VCF-style: chr17-61946521-T-C. GRCh37 (hg19) VCF-style: chr17-60023882-T-C.
Other names: c.6472A>G (NM_005121.2); short protein forms I2158V.
Identifiers: ClinVar variation 3341401 (VCV003341401.2).